The following is an entry in ClinVar:

ClinVar aggregate classification (germline): Uncertain significance (1 of 4 stars; one submission).

Conditions:
Hemophagocytic lymphohistiocytosis, familial, 6. Also called: IMMUNE DYSREGULATION AND SYSTEMIC HYPERINFLAMMATION SYNDROME. Identifiers: MedGen C5436563, MONDO:0033557, OMIM 618998.

Submission:

3billion
Classification: Uncertain significance for Hemophagocytic lymphohistiocytosis, familial, 6. Last evaluated: 2024-11-01. Review status: criteria provided, single submitter. Criteria: ACMG Guidelines, 2015. Collection method: clinical testing. Allele origin: germline. Affected: yes.
Comment: The variant is not observed in the gnomAD v4.1.0 dataset. Predicted Consequence/Location: Missense variant. The majority of the known disease-causing variants of this gene are variants expected to result in premature termination of the protein. In silico tools predict the variant to alter splicing and produce an abnormal transcript [SpliceAI: 0.49 (>=0.2, moderate evidence for spliceogenicity)]. Therefore, this variant is classified as VUS according to the recommendation of ACMG/AMP guideline.

NM_172071.4(RC3H1):c.1778A>T (p.Tyr593Phe)

Gene: RC3H1 (ring finger and CCCH-type domains 1; minus strand). Cytogenetic location: 1q25.1.
Variant type: single nucleotide variant.
Coding change: c.1778A>T on transcript NM_172071.4 (MANE Select); coding-DNA position 1778, A replaced by T.
Protein change: p.Tyr593Phe; replaces tyrosine 593 with phenylalanine.
Molecular consequence: missense variant.
Genome position (GRCh38, 1-based): chr1:173,964,026, T>A on the plus strand (A>T on the coding strand, the complement: RC3H1 is on the minus strand). VCF-style: chr1-173964026-T-A. GRCh37 (hg19) VCF-style: chr1-173933164-T-A.
Other names: c.1778A>T, p.Tyr593Phe (NM_001300850.1, NM_001300851.1, NM_001300852.1); short protein forms Y593F.
Identifiers: ClinVar variation 4293752 (VCV004293752.1).